The following is an entry in ClinVar:

ClinVar aggregate classification (germline): Uncertain significance (1 of 4 stars; one submission).

Submission:

Labcorp Genetics (formerly Invitae), Labcorp
Classification: Uncertain significance. Last evaluated: 2022-02-19. Review status: criteria provided, single submitter. Criteria: Invitae Variant Classification Sherloc (09022015). Collection method: clinical testing. Allele origin: germline.
Comment: This sequence change replaces alanine, which is neutral and non-polar, with valine, which is neutral and non-polar, at codon 984 of the MYO7A protein (p.Ala984Val). This variant is not present in population databases (gnomAD no frequency). This variant has not been reported in the literature in individuals affected with MYO7A-related conditions. Advanced modeling of protein sequence and biophysical properties (such as structural, functional, and spatial information, amino acid conservation, physicochemical variation, residue mobility, and thermodynamic stability) performed at Invitae indicates that this missense variant is not expected to disrupt MYO7A protein function. In summary, the available evidence is currently insufficient to determine the role of this variant in disease. Therefore, it has been classified as a Variant of Uncertain Significance.

NM_000260.4(MYO7A):c.2951C>T (p.Ala984Val)

Gene: MYO7A (myosin VIIA; plus strand). Cytogenetic location: 11q13.5.
Variant type: single nucleotide variant.
Coding change: c.2951C>T on transcript NM_000260.4 (MANE Select); coding-DNA position 2951, C replaced by T.
Protein change: p.Ala984Val; replaces alanine 984 with valine.
Molecular consequence: missense variant.
Genome position (GRCh38, 1-based): chr11:77,181,997, C>T. VCF-style: chr11-77181997-C-T. GRCh37 (hg19) VCF-style: chr11-76893043-C-T.
Other names: c.2951C>T, p.Ala984Val (NM_001127180.2); c.2918C>T, p.Ala973Val (NM_001369365.1); short protein forms A973V, A984V.
Identifiers: ClinVar variation 1896711 (VCV001896711.2), dbSNP rs1955266613, ClinGen allele CA381943857.